The following is an entry in ClinVar:

NM_001127208.3(TET2):c.3472G>A (p.Ala1158Thr)

Genes: TET2 (tet methylcytosine dioxygenase 2; plus strand), TET2-AS1 (TET2 antisense RNA 1; minus strand). Cytogenetic location: 4q24.
Variant type: single nucleotide variant.
Coding change: c.3472G>A on transcript NM_001127208.3 (MANE Select); coding-DNA position 3472, G replaced by A.
Protein change: p.Ala1158Thr; replaces alanine 1158 with threonine.
Molecular consequence: missense variant. On other transcripts: 3 prime UTR variant (1).
Genome position (GRCh38, 1-based): chr4:105,241,401, G>A. VCF-style: chr4-105241401-G-A. GRCh37 (hg19) VCF-style: chr4-106162558-G-A.
Other names: c.*3961G>A (NM_017628.4); short protein forms A1158T.
Identifiers: ClinVar variation 2083057 (VCV002083057.4), dbSNP rs1729289740, ClinGen allele CA357804101.

ClinVar aggregate classification (germline): Uncertain significance (1 of 4 stars; one submission).

Allele frequency attached by ClinVar (database versions not stated): gnomAD exomes below 0.00001.
gnomAD v4.1: 2 of 1,550,420 alleles (0.00013%); highest among the groups gnomAD compares: Admixed American, 0.0039%; no homozygotes.

Submission:

Labcorp Genetics (formerly Invitae), Labcorp
Classification: Uncertain significance. Last evaluated: 2023-02-23. Review status: criteria provided, single submitter. Criteria: Invitae Variant Classification Sherloc (09022015). Collection method: clinical testing. Allele origin: germline.
Comment: In summary, the available evidence is currently insufficient to determine the role of this variant in disease. Therefore, it has been classified as a Variant of Uncertain Significance. An algorithm developed to predict the effect of missense changes on protein structure and function (PolyPhen-2) suggests that this variant is likely to be disruptive. This variant has not been reported in the literature in individuals affected with TET2-related conditions. This variant is not present in population databases (gnomAD no frequency). This sequence change replaces alanine, which is neutral and non-polar, with threonine, which is neutral and polar, at codon 1158 of the TET2 protein (p.Ala1158Thr).